The following is an entry in ClinVar:

NM_001375380.1(EBF3):c.1373-18_1373-17insGGTG

Gene: EBF3 (EBF transcription factor 3; minus strand). Cytogenetic location: 10q26.3.
Variant type: Insertion.
Coding change: c.1373-18_1373-17insGGTG on transcript NM_001375380.1 (MANE Select); 18 bases into the intron before coding-DNA position 1373 through 17 bases into the intron before coding-DNA position 1373, GGTG inserted.
Molecular consequence: intron variant.
Genome position: GRCh38 VCF-style: chr10-129841049-C-CCCCA. GRCh37 (hg19) VCF-style: chr10-131639313-C-CCCCA.
Other names: c.1346-608_1346-607insGGTG (NM_001375392.1); c.1346-18_1346-17insGGTG (NM_001005463.3, NM_001375390.1); c.1373-18_1373-17insGGTG (NM_001375391.1, NM_001375389.1, NM_001375379.1); c.1346-18_1346-17insTGGG (NM_001005463.3).
Identifiers: ClinVar variation 4853235 (VCV004853235.1).

ClinVar aggregate classification (germline): Likely benign (1 of 4 stars; one submission).

Submission:

Women's Health and Genetics/Laboratory Corporation of America, LabCorp
Classification: Likely benign. Last evaluated: 2026-05-28. Review status: criteria provided, single submitter. Criteria: LabCorp Variant Classification Summary - May 2015. Collection method: clinical testing. Allele origin: germline.
Comment: Variant summary: EBF3 c.1346-18_1346-17insTGGG alters a conserved nucleotide located at a position not widely known to affect splicing. Consensus agreement among computation tools predict no significant impact on normal splicing. However, these predictions have yet to be confirmed by functional studies. The variant allele was found at a frequency of 4.1e-06 in 1453038 control chromosomes (gnomAD v4). The available data on variant occurrences in the general population are insufficient to allow any conclusion about variant significance. To our knowledge, no occurrence of c.1346-18_1346-17insTGGG in individuals affected with EBF3-related conditions and no experimental evidence demonstrating its impact on protein function have been reported. No submitters have cited clinical-significance assessments for this variant to ClinVar. Based on the evidence outlined above, the variant was classified as likely benign.